The following is an entry in ClinVar:

NM_000265.7(NCF1):c.186dup (p.Gly63fs)

Genes: NCF1 (neutrophil cytosolic factor 1; plus strand), LOC106029312 (Williams-Beuren syndrome medial block B recombination region; plus strand). Cytogenetic location: 7q11.23.
Variant type: Duplication.
Coding change: c.186dup on transcript NM_000265.7 (MANE Select); coding-DNA position 186, one base duplicated (A; older notation c.186dupA).
Protein change: p.Gly63fs; shifts the reading frame from glycine 63.
Molecular consequence: frameshift variant.
Genome position (GRCh38, 1-based): chr7:74,779,114, A duplicated. VCF-style (leftmost placement, unchanged base first): chr7-74779113-C-CA. GRCh37 (hg19) VCF-style: chr7-74193459-C-CA.
Other names: short protein forms G63fs.
Identifiers: ClinVar variation 280629 (VCV000280629.2), dbSNP rs886041799, ClinGen allele CA10603038.

ClinVar aggregate classification (germline): Pathogenic (1 of 4 stars; one submission).

Submission:

GeneDx
Classification: Pathogenic. Last evaluated: 2016-06-15. Review status: criteria provided, single submitter. Criteria: GeneDx Variant Classification (06012015). Collection method: clinical testing. Allele origin: germline. Affected: yes.
Comment: The c.186dupA variant in the NCF1 gene has not been reported previously as a pathogenic variantnor as a benign variant, to our knowledge. The c.186dupA variant causes a frameshift starting withcodon Glycine 63, changes this amino acid to an Arginine residue, and creates a premature Stop codonat position 20 of the new reading frame, denoted p.Gly63ArgfsX20. This variant is predicted to causeloss of normal protein function either through protein truncation or nonsense-mediated mRNA decay.Data from control individuals in the 1000 Genomes Project and the NHLBI Exome SequencingProject were not available to assess whether the c.186dupA variant may be a common benign variantin the general population; however, this variant has not been detected previously in the internaldatabase at GeneDx. Therefore, we consider c.186dupA a pathogenic variant.